The following is an entry in ClinVar:

NM_005612.5(REST):c.613A>G (p.Thr205Ala)

Gene: REST (RE1 silencing transcription factor; plus strand). Cytogenetic location: 4q12.
Variant type: single nucleotide variant.
Coding change: c.613A>G on transcript NM_005612.5 (MANE Select); coding-DNA position 613, A replaced by G.
Protein change: p.Thr205Ala; replaces threonine 205 with alanine.
Molecular consequence: missense variant.
Genome position (GRCh38, 1-based): chr4:56,911,251, A>G. VCF-style: chr4-56911251-A-G. GRCh37 (hg19) VCF-style: chr4-57777417-A-G.
Other names: c.613A>G (NM_005612.4); c.613A>G, p.Thr205Ala (NM_001193508.2, NM_001363453.3); short protein forms T205A.
Identifiers: ClinVar variation 2171355 (VCV002171355.5), dbSNP rs981639576, ClinGen allele CA97629646.

ClinVar aggregate classification (germline): Uncertain significance. Review status: criteria provided, multiple submitters, no conflicts (2 of 4 stars). 2 submissions from 2 submitters: Uncertain significance (2). Last evaluated 2025-10-22.

Conditions:
Inborn genetic diseases. Identifiers: MedGen C0950123, MeSH D030342.

gnomAD v4.1: 34 of 1,614,042 alleles (0.0021%); highest among the groups gnomAD compares: Non-Finnish European, 0.0029%; no homozygotes.

Submissions (2):

Ambry Genetics
Classification: Uncertain significance for Inborn genetic diseases. Last evaluated: 2025-10-22. Review status: criteria provided, single submitter. Criteria: Ambry Variant Classification Scheme 2023. Collection method: clinical testing. Allele origin: germline.

Labcorp Genetics (formerly Invitae), Labcorp
Classification: Uncertain significance. Last evaluated: 2023-11-21. Review status: criteria provided, single submitter. Criteria: Invitae Variant Classification Sherloc (09022015). Collection method: clinical testing. Allele origin: germline.
Comment: This sequence change replaces threonine, which is neutral and polar, with alanine, which is neutral and non-polar, at codon 205 of the REST protein (p.Thr205Ala). This variant is present in population databases (no rsID available, gnomAD 0.0009%). This variant has not been reported in the literature in individuals affected with REST-related conditions. ClinVar contains an entry for this variant (Variation ID: 2171355). Algorithms developed to predict the effect of missense changes on protein structure and function output the following: SIFT: "Not Available"; PolyPhen-2: "Benign"; Align-GVGD: "Not Available". The alanine amino acid residue is found in multiple mammalian species, which suggests that this missense change does not adversely affect protein function. In summary, the available evidence is currently insufficient to determine the role of this variant in disease. Therefore, it has been classified as a Variant of Uncertain Significance.